The following is an entry in ClinVar:

NM_007046.4(EMILIN1):c.2707G>A (p.Glu903Lys)

Gene: EMILIN1 (elastin microfibril interfacer 1; plus strand). Cytogenetic location: 2p23.3.
Variant type: single nucleotide variant.
Coding change: c.2707G>A on transcript NM_007046.4 (MANE Select); coding-DNA position 2707, G replaced by A.
Protein change: p.Glu903Lys; replaces glutamic acid 903 with lysine.
Molecular consequence: missense variant.
Genome position (GRCh38, 1-based): chr2:27,085,291, G>A. VCF-style: chr2-27085291-G-A. GRCh37 (hg19) VCF-style: chr2-27308159-G-A.
Other names: short protein forms E903K.
Identifiers: ClinVar variation 3037730 (VCV003037730.2), dbSNP rs36045790, ClinGen allele CA1569005.

ClinVar aggregate classification (germline): Benign (0 of 4 stars; one submission).

Conditions:
EMILIN1-related disorder. Also called: EMILIN1-related condition.

Allele frequency attached by ClinVar (database versions not stated): 1000 Genomes Project 30x 0.00843; 1000 Genomes Project 0.00899; TOPMed 0.01523; gnomAD 0.01759; ESP Exome Variant Server 0.01899; ExAC 0.01976.
gnomAD v4.1: 41,530 of 1,614,014 alleles (2.6%); highest among the groups gnomAD compares: Non-Finnish European, 3.1%; 641 homozygotes.

Submission:

PreventionGenetics, part of Exact Sciences
Classification: Benign for EMILIN1-related condition. Last evaluated: 2019-12-18. Review status: no assertion criteria provided. Collection method: clinical testing. Allele origin: germline.
Comment: This variant is classified as benign based on ACMG/AMP sequence variant interpretation guidelines (Richards et al. 2015 PMID: 25741868, with internal and published modifications).